The following is an entry in ClinVar:

ClinVar aggregate classification (germline): Benign/Likely benign. Review status: criteria provided, multiple submitters, no conflicts (2 of 4 stars). 2 submissions from 2 submitters: Benign (1); Likely benign (1). Last evaluated 2024-09-23.

Conditions:
Hereditary cancer-predisposing syndrome. Also called: Tumor predisposition; Neoplastic Syndromes, Hereditary; Hereditary Cancer Syndrome; Hereditary neoplastic syndrome. Identifiers: Orphanet 140162, MedGen C0027672, MeSH D009386, MONDO:0015356.
Hereditary diffuse gastric adenocarcinoma (HDGC). Also called: DIFFUSE GASTRIC AND LOBULAR BREAST CANCER SYNDROME. Identifiers: Orphanet 26106, MedGen C1708349, MONDO:0007648, OMIM 137215.

Submissions (2):

Myriad Genetics, Inc.
Classification: Benign for Hereditary diffuse gastric adenocarcinoma. Last evaluated: 2024-09-23. Review status: criteria provided, single submitter. Criteria: Myriad Autosomal Dominant, Autosomal Recessive and X-Linked Classification Criteria (2023). Collection method: clinical testing. Allele origin: unknown.
Comment: This variant is considered benign. This variant is a silent/synonymous amino acid change and it is not expected to impact splicing.

Ambry Genetics
Classification: Likely benign for Hereditary cancer-predisposing syndrome. Last evaluated: 2021-09-01. Review status: criteria provided, single submitter. Criteria: Ambry Variant Classification Scheme 2023. Collection method: clinical testing. Allele origin: germline.

NM_004360.5(CDH1):c.2277A>T (p.Gly759=)

Gene: CDH1 (cadherin 1; plus strand). Cytogenetic location: 16q22.1.
Variant type: single nucleotide variant.
Coding change: c.2277A>T on transcript NM_004360.5 (MANE Select); coding-DNA position 2277, A replaced by T.
Protein change: p.Gly759=; no amino-acid change (glycine 759 retained).
Molecular consequence: synonymous variant.
Genome position (GRCh38, 1-based): chr16:68,828,286, A>T. VCF-style: chr16-68828286-A-T. GRCh37 (hg19) VCF-style: chr16-68862189-A-T.
Other names: c.2094A>T, p.Gly698= (NM_001317184.2); c.729A>T, p.Gly243= (NM_001317185.2); c.312A>T, p.Gly104= (NM_001317186.2).
Identifiers: ClinVar variation 1788868 (VCV001788868.3), dbSNP rs2152141566, ClinGen allele CA496157189.